The following is an entry in ClinVar:

ClinVar aggregate classification (germline): Uncertain significance. Review status: criteria provided, multiple submitters, no conflicts (2 of 4 stars). 2 submissions from 2 submitters: Uncertain significance (2). Last evaluated 2025-03-20.

Conditions:
PRPH2-related disorder. Also called: PRPH2-related condition; PRPH2-related disorders. Identifiers: MedGen CN239395.

gnomAD v4.1: 4 of 1,614,056 alleles (0.00025%); highest among the groups gnomAD compares: African/African-American, 0.0027%; no homozygotes.

Submissions (2):

Labcorp Genetics (formerly Invitae), Labcorp
Classification: Uncertain significance for PRPH2-related disorder. Last evaluated: 2025-03-20. Review status: criteria provided, single submitter. Criteria: Invitae Variant Classification Sherloc (09022015). Collection method: clinical testing. Allele origin: germline.
Comment: This sequence change replaces proline, which is neutral and non-polar, with threonine, which is neutral and polar, at codon 219 of the PRPH2 protein (p.Pro219Thr). This variant is present in population databases (rs749603273, gnomAD 0.007%). This variant has not been reported in the literature in individuals affected with PRPH2-related conditions. Invitae Evidence Modeling of protein sequence and biophysical properties (such as structural, functional, and spatial information, amino acid conservation, physicochemical variation, residue mobility, and thermodynamic stability) indicates that this missense variant is expected to disrupt PRPH2 protein function with a positive predictive value of 95%. This variant disrupts the p.Pro219 amino acid residue in PRPH2. Other variant(s) that disrupt this residue have been observed in individuals with PRPH2-related conditions (PMID: 38743414; internal data), which suggests that this may be a clinically significant amino acid residue. In summary, the available evidence is currently insufficient to determine the role of this variant in disease. Therefore, it has been classified as a Variant of Uncertain Significance.

Blueprint Genetics
Classification: Uncertain significance. Last evaluated: 2020-09-09. Review status: criteria provided, single submitter. Criteria: ACMG Guidelines, 2015. Collection method: clinical testing. Allele origin: germline.

Literature cited by the submitters: PubMed 38743414 (cited by Labcorp Genetics (formerly Invitae), Labcorp).

NM_000322.5(PRPH2):c.655C>A (p.Pro219Thr)

Gene: PRPH2 (peripherin 2; minus strand). Cytogenetic location: 6p21.1.
Variant type: single nucleotide variant.
Coding change: c.655C>A on transcript NM_000322.5 (MANE Select); coding-DNA position 655, C replaced by A.
Protein change: p.Pro219Thr; replaces proline 219 with threonine.
Molecular consequence: missense variant.
Genome position (GRCh38, 1-based): chr6:42,704,538, G>T on the plus strand (C>A on the coding strand, the complement: PRPH2 is on the minus strand). VCF-style: chr6-42704538-G-T. GRCh37 (hg19) VCF-style: chr6-42672276-G-T.
Other names: short protein forms P219T.
Identifiers: ClinVar variation 4730650 (VCV004730650.2).
Genomic context (GRCh38, chr6:42,704,538, plus strand): 5'-GGTGGTCGTAACTGTAGTGTGCTGAGTTGTTGGTGATCTGATACTGGATGCAGGGCCGTG[G>T]CGAGCTAGGATTGCAGCAGCTGAAAGGGACGCCGTCCACCAGGTACCGCCCATCCACGTT-3'
Protein context (NP_000313.2, residues 209-229): VPFSCCNPSS[Pro219Thr]RPCIQYQITN